The following is an entry in ClinVar:

ClinVar aggregate classification (germline): Uncertain significance (1 of 4 stars; one submission).

Conditions:
Hereditary breast ovarian cancer syndrome. Also called: Hereditary breast and/or ovarian cancer syndrome; Hereditary breast and ovarian cancer syndrome; Hereditary breast and ovarian cancer syndrome (HBOC); Breast and ovarian cancer; BRCA1- and BRCA2-Associated Hereditary Breast and Ovarian Cancer; Hereditary breast and ovarian cancer. Identifiers: Orphanet 145, MedGen C0677776, MeSH D061325, MONDO:0003582. Disease mechanism: loss of function.

Submission:

Labcorp Genetics (formerly Invitae), Labcorp
Classification: Uncertain significance for Hereditary breast ovarian cancer syndrome. Last evaluated: 2020-09-11. Review status: criteria provided, single submitter. Criteria: Invitae Variant Classification Sherloc (09022015). Collection method: clinical testing. Allele origin: germline.
Comment: In summary, the available evidence is currently insufficient to determine the role of this variant in disease. Therefore, it has been classified as a Variant of Uncertain Significance. Nucleotide substitutions within the consensus splice site are a relatively common cause of aberrant splicing (PMID: 17576681, 9536098). Algorithms developed to predict the effect of sequence changes on RNA splicing suggest that this variant may disrupt the consensus splice site, but this prediction has not been confirmed by published transcriptional studies. This variant has not been reported in the literature in individuals with BRCA2-related conditions. This variant is not present in population databases (ExAC no frequency). This sequence change falls in intron 18 of the BRCA2 gene. It does not directly change the encoded amino acid sequence of the BRCA2 protein, but it affects a nucleotide within the consensus splice site of the intron.

Literature cited by the submitters: PubMed 17576681; PubMed 9536098.

NM_000059.4(BRCA2):c.8331+3A>G

Gene: BRCA2 (BRCA2 DNA repair associated; plus strand). Cytogenetic location: 13q13.1.
Variant type: single nucleotide variant.
Coding change: c.8331+3A>G on transcript NM_000059.4 (MANE Select); 3 bases into the intron after coding-DNA position 8331, A replaced by G.
Molecular consequence: intron variant.
Genome position (GRCh38, 1-based): chr13:32,363,536, A>G. VCF-style: chr13-32363536-A-G. GRCh37 (hg19) VCF-style: chr13-32937673-A-G.
Identifiers: ClinVar variation 1004457 (VCV001004457.7), dbSNP rs876659382, ClinGen allele CA2082837627.